The following is an entry in ClinVar:

NM_014714.4(IFT140):c.1435A>T (p.Thr479Ser)

Genes: IFT140 (intraflagellar transport 140; minus strand), LOC105371046 (uncharacterized LOC105371046; plus strand). Cytogenetic location: 16p13.3.
Variant type: single nucleotide variant.
Coding change: c.1435A>T on transcript NM_014714.4 (MANE Select); coding-DNA position 1435, A replaced by T.
Protein change: p.Thr479Ser; replaces threonine 479 with serine.
Molecular consequence: missense variant.
Genome position (GRCh38, 1-based): chr16:1,580,848, T>A on the plus strand (A>T on the coding strand, the complement: IFT140 is on the minus strand). VCF-style: chr16-1580848-T-A. GRCh37 (hg19) VCF-style: chr16-1630849-T-A.
Other names: short protein forms T479S.
Identifiers: ClinVar variation 4781659 (VCV004781659.2).

ClinVar aggregate classification (germline): Uncertain significance. Review status: criteria provided, multiple submitters, no conflicts (2 of 4 stars). 2 submissions from 2 submitters: Uncertain significance (2). Last evaluated 2025-09-03.

Conditions:
Saldino-Mainzer syndrome (SRTD9). Also called: CONORENAL SYNDROME; Renal dysplasia, retinal pigmentary dystrophy, cerebellar ataxia and skeletal dysplasia; SHORT-RIB THORACIC DYSPLASIA 9 WITHOUT POLYDACTYLY; short-rib thoracic dysplasia 9 with or without polydactyly. Identifiers: Orphanet 140969, MedGen C1849437, MONDO:0009964, OMIM 266920.

gnomAD v4.1: 3 of 1,611,242 alleles (0.00019%); highest among the groups gnomAD compares: East Asian, 0.0067%; no homozygotes.

Submissions (2):

Labcorp Genetics (formerly Invitae), Labcorp
Classification: Uncertain significance for Saldino-Mainzer syndrome. Last evaluated: 2025-09-03. Review status: criteria provided, single submitter. Criteria: Invitae Variant Classification Sherloc (09022015). Collection method: clinical testing. Allele origin: germline.
Comment: This sequence change replaces threonine, which is neutral and polar, with serine, which is neutral and polar, at codon 479 of the IFT140 protein (p.Thr479Ser). This variant is present in population databases (rs776304046, gnomAD 0.01%). This variant has not been reported in the literature in individuals affected with IFT140-related conditions. Invitae Evidence Modeling of protein sequence and biophysical properties (such as structural, functional, and spatial information, amino acid conservation, physicochemical variation, residue mobility, and thermodynamic stability) indicates that this missense variant is not expected to disrupt IFT140 protein function with a negative predictive value of 95%. In summary, the available evidence is currently insufficient to determine the role of this variant in disease. Therefore, it has been classified as a Variant of Uncertain Significance.

Blueprint Genetics
Classification: Uncertain significance. Last evaluated: 2022-06-28. Review status: criteria provided, single submitter. Criteria: ACMG Guidelines, 2015. Collection method: clinical testing. Allele origin: germline.